The following is an entry in ClinVar:

ClinVar aggregate classification (germline): Uncertain significance (1 of 4 stars; one submission).

Submission:

GeneDx
Classification: Uncertain significance. Last evaluated: 2023-06-21. Review status: criteria provided, single submitter. Criteria: GeneDx Variant Classification Process June 2021. Collection method: clinical testing. Allele origin: germline. Affected: yes.
Comment: Not observed at significant frequency in large population cohorts (gnomAD); In silico analysis supports that this missense variant does not alter protein structure/function; Has not been previously published as pathogenic or benign to our knowledge

NM_001007527.2(LMBRD2):c.723A>C (p.Glu241Asp)

Gene: LMBRD2 (LMBR1 domain containing 2; minus strand). Cytogenetic location: 5p13.2.
Variant type: single nucleotide variant.
Coding change: c.723A>C on transcript NM_001007527.2 (MANE Select); coding-DNA position 723, A replaced by C.
Protein change: p.Glu241Asp; replaces glutamic acid 241 with aspartic acid.
Molecular consequence: missense variant.
Genome position (GRCh38, 1-based): chr5:36,136,333, T>G on the plus strand (A>C on the coding strand, the complement: LMBRD2 is on the minus strand). VCF-style: chr5-36136333-T-G. GRCh37 (hg19) VCF-style: chr5-36136435-T-G.
Other names: short protein forms E241D.
Identifiers: ClinVar variation 3360012 (VCV003360012.1).